The following is an entry in ClinVar:

NM_182493.3(MYLK3):c.1324G>T (p.Ala442Ser)

Gene: MYLK3 (myosin light chain kinase 3; minus strand). Cytogenetic location: 16q11.2.
Variant type: single nucleotide variant.
Coding change: c.1324G>T on transcript NM_182493.3 (MANE Select); coding-DNA position 1324, G replaced by T.
Protein change: p.Ala442Ser; replaces alanine 442 with serine.
Molecular consequence: missense variant.
Genome position (GRCh38, 1-based): chr16:46,732,346, C>A on the plus strand (G>T on the coding strand, the complement: MYLK3 is on the minus strand). VCF-style: chr16-46732346-C-A. GRCh37 (hg19) VCF-style: chr16-46766258-C-A.
Other names: c.301G>T, p.Ala101Ser (NM_001308301.1); short protein forms A442S, A101S.
Identifiers: ClinVar variation 2036558 (VCV002036558.4), dbSNP rs768408009, ClinGen allele CA395792210.

ClinVar aggregate classification (germline): Uncertain significance (1 of 4 stars; one submission).

Submission:

Labcorp Genetics (formerly Invitae), Labcorp
Classification: Uncertain significance. Last evaluated: 2025-12-24. Review status: criteria provided, single submitter. Criteria: Invitae Variant Classification Sherloc (09022015). Collection method: clinical testing. Allele origin: germline.
Comment: This sequence change replaces alanine, which is neutral and non-polar, with serine, which is neutral and polar, at codon 442 of the MYLK3 protein (p.Ala442Ser). This variant is not present in population databases (gnomAD no frequency). This variant has not been reported in the literature in individuals affected with MYLK3-related conditions. ClinVar contains an entry for this variant (Variation ID: 2036558). An algorithm developed to predict the effect of missense changes on protein structure and function outputs the following: PolyPhen-2: "Benign". The serine amino acid residue is found in multiple mammalian species, which suggests that this missense change does not adversely affect protein function. In summary, the available evidence is currently insufficient to determine the role of this variant in disease. Therefore, it has been classified as a Variant of Uncertain Significance.